The following is an entry in ClinVar:

ClinVar aggregate classification (germline): Uncertain significance (1 of 4 stars; one submission).

Submission:

Labcorp Genetics (formerly Invitae), Labcorp
Classification: Uncertain significance. Last evaluated: 2020-03-27. Review status: criteria provided, single submitter. Criteria: Invitae Variant Classification Sherloc (09022015). Collection method: clinical testing. Allele origin: germline.
Comment: This variant is not present in population databases (ExAC no frequency). This variant has not been reported in the literature in individuals with RP1-related conditions. Algorithms developed to predict the effect of missense changes on protein structure and function are either unavailable or do not agree on the potential impact of this missense change (SIFT: "Deleterious"; PolyPhen-2: "Probably Damaging"; Align-GVGD: "Class C0"). In summary, the available evidence is currently insufficient to determine the role of this variant in disease. Therefore, it has been classified as a Variant of Uncertain Significance. This sequence change replaces glutamic acid with glycine at codon 1469 of the RP1 protein (p.Glu1469Gly). The glutamic acid residue is highly conserved and there is a moderate physicochemical difference between glutamic acid and glycine.

NM_006269.2(RP1):c.4406A>G (p.Glu1469Gly)

Gene: RP1 (RP1 axonemal microtubule associated; plus strand). Cytogenetic location: 8q12.1.
Variant type: single nucleotide variant.
Coding change: c.4406A>G on transcript NM_006269.2 (MANE Select); coding-DNA position 4406, A replaced by G.
Protein change: p.Glu1469Gly; replaces glutamic acid 1469 with glycine.
Molecular consequence: missense variant. On other transcripts: intron variant (1).
Genome position (GRCh38, 1-based): chr8:54,628,288, A>G. VCF-style: chr8-54628288-A-G. GRCh37 (hg19) VCF-style: chr8-55540848-A-G.
Other names: c.787+6000A>G (NM_001375654.1); short protein forms E1469G.
Identifiers: ClinVar variation 1063463 (VCV001063463.9), dbSNP rs2129317611, ClinGen allele CA370982130.